The following is an entry in ClinVar:

NM_005859.5(PURA):c.898C>G (p.Gln300Glu)

Gene: PURA (purine rich element binding protein A; plus strand). Cytogenetic location: 5q31.3.
Variant type: single nucleotide variant.
Coding change: c.898C>G on transcript NM_005859.5 (MANE Select); coding-DNA position 898, C replaced by G.
Protein change: p.Gln300Glu; replaces glutamine 300 with glutamic acid.
Molecular consequence: missense variant.
Genome position (GRCh38, 1-based): chr5:140,115,079, C>G. VCF-style: chr5-140115079-C-G. GRCh37 (hg19) VCF-style: chr5-139494664-C-G.
Other names: short protein forms Q300E.
Identifiers: ClinVar variation 4775363 (VCV004775363.1).

ClinVar aggregate classification (germline): Uncertain significance (1 of 4 stars; one submission).

Conditions:
PURA-related severe neonatal hypotonia-seizures-encephalopathy syndrome (NEDRIHF). Also called: NEURODEVELOPMENTAL DISORDER WITH NEONATAL RESPIRATORY INSUFFICIENCY, HYPOTONIA, AND FEEDING DIFFICULTIES; PURA-Related Neurodevelopmental Disorders. Identifiers: Orphanet 438213, Orphanet 438216, MedGen C4015357, MONDO:1060108, OMIM 616158, MONDO:0018580.

gnomAD v4.1: 1 of 1,612,034 alleles (0.000062%); highest among the groups gnomAD compares: African/African-American, 0.0013%; no homozygotes.

Submission:

Labcorp Genetics (formerly Invitae), Labcorp
Classification: Uncertain significance for PURA-related severe neonatal hypotonia-seizures-encephalopathy syndrome. Last evaluated: 2025-11-13. Review status: criteria provided, single submitter. Criteria: Invitae Variant Classification Sherloc (09022015). Collection method: clinical testing. Allele origin: germline.
Comment: This sequence change replaces glutamine, which is neutral and polar, with glutamic acid, which is acidic and polar, at codon 300 of the PURA protein (p.Gln300Glu). This variant is not present in population databases (gnomAD no frequency). This variant has not been reported in the literature in individuals affected with PURA-related conditions. Invitae Evidence Modeling of protein sequence and biophysical properties (such as structural, functional, and spatial information, amino acid conservation, physicochemical variation, residue mobility, and thermodynamic stability) indicates that this missense variant is not expected to disrupt PURA protein function with a negative predictive value of 95%. In summary, the available evidence is currently insufficient to determine the role of this variant in disease. Therefore, it has been classified as a Variant of Uncertain Significance.